The following is an entry in ClinVar:

ClinVar aggregate classification (germline): Uncertain significance (1 of 4 stars; one submission).

Conditions:
Sphingolipid activator protein 1 deficiency. Also called: METACHROMATIC LEUKODYSTROPHY DUE TO CEREBROSIDE SULFATASE ACTIVATOR DEFICIENCY; Metachromatic leukodystrophy due to saposin B deficiency; Saposin B Deficiency. Identifiers: Orphanet 512, MedGen C0268262, MONDO:0009590, OMIM 249900.

Submission:

Labcorp Genetics (formerly Invitae), Labcorp
Classification: Uncertain significance for Sphingolipid activator protein 1 deficiency. Last evaluated: 2022-07-26. Review status: criteria provided, single submitter. Criteria: Invitae Variant Classification Sherloc (09022015). Collection method: clinical testing. Allele origin: germline.
Comment: This sequence change replaces tyrosine, which is neutral and polar, with phenylalanine, which is neutral and non-polar, at codon 2 of the PSAP protein (p.Tyr2Phe). This variant is not present in population databases (gnomAD no frequency). This variant has not been reported in the literature in individuals affected with PSAP-related conditions. ClinVar contains an entry for this variant (Variation ID: 1518948). Algorithms developed to predict the effect of missense changes on protein structure and function output the following: SIFT: "Not Available"; PolyPhen-2: "Not Available"; Align-GVGD: "Not Available". The phenylalanine amino acid residue is found in multiple mammalian species, which suggests that this missense change does not adversely affect protein function. In summary, the available evidence is currently insufficient to determine the role of this variant in disease. Therefore, it has been classified as a Variant of Uncertain Significance.

NM_002778.4(PSAP):c.5A>T (p.Tyr2Phe)

Gene: PSAP (prosaposin; minus strand). Cytogenetic location: 10q22.1.
Variant type: single nucleotide variant.
Coding change: c.5A>T on transcript NM_002778.4 (MANE Select); coding-DNA position 5, A replaced by T.
Protein change: p.Tyr2Phe; replaces tyrosine 2 with phenylalanine.
Molecular consequence: missense variant.
Genome position (GRCh38, 1-based): chr10:71,851,217, T>A on the plus strand (A>T on the coding strand, the complement: PSAP is on the minus strand). VCF-style: chr10-71851217-T-A. GRCh37 (hg19) VCF-style: chr10-73610974-T-A.
Other names: c.5A>T, p.Tyr2Phe (NM_001042465.3, NM_001042466.3); short protein forms Y2F.
Identifiers: ClinVar variation 1518948 (VCV001518948.5), dbSNP rs759590269, ClinGen allele CA377159624.
Genomic context (GRCh38, chr10:71,851,217, plus strand): 5'-CCAGGATGAGGGTCCCAGGGCTTACCCGCGCCCAGGAGGCTGGCCAGGAGGAAGAGGGCG[T>A]ACATAGCGCCGTCTGACTCCGCAGTCTGCAATGCGGAGCGTCAGCTGATCCCCCGCAGAT-3'
Protein context (NP_002769.1, residues 1-12): M[Tyr2Phe]ALFLLASLLG